The following is an entry in ClinVar:

NM_006214.4(PHYH):c.658C>T (p.His220Tyr)

Gene: PHYH (phytanoyl-CoA 2-hydroxylase; minus strand). Cytogenetic location: 10p13.
Variant type: single nucleotide variant.
Coding change: c.658C>T on transcript NM_006214.4 (MANE Select); coding-DNA position 658, C replaced by T.
Protein change: p.His220Tyr; replaces histidine 220 with tyrosine.
Molecular consequence: missense variant. On other transcripts: intron variant (1).
Genome position (GRCh38, 1-based): chr10:13,288,380, G>A on the plus strand (C>T on the coding strand, the complement: PHYH is on the minus strand). VCF-style: chr10-13288380-G-A. GRCh37 (hg19) VCF-style: chr10-13330380-G-A.
Other names: c.358C>T, p.His120Tyr (NM_001037537.2, NM_001323080.2); c.664C>T, p.His222Tyr (NM_001323082.2); c.364C>T, p.His122Tyr (NM_001323084.2); c.415-4541C>T (NM_001323083.2); short protein forms H120Y, H122Y, H220Y, H222Y.
Identifiers: ClinVar variation 1020732 (VCV001020732.7), dbSNP rs767216891, ClinGen allele CA5412288.

ClinVar aggregate classification (germline): Conflicting classifications of pathogenicity. Review status: criteria provided, conflicting classifications (1 of 4 stars). 2 submissions from 2 submitters: Likely pathogenic (1); Uncertain significance (1). Last evaluated 2024-11-27.

Conditions:
PHYH-related disorder. Also called: PHYH-related condition.

Allele frequency attached by ClinVar (database versions not stated): gnomAD 0.00001; gnomAD exomes 0.00002 and 0.00003; TOPMed 0.00002; ExAC 0.00003.
gnomAD v4.1: 49 of 1,613,804 alleles (0.003%); highest among the groups gnomAD compares: Non-Finnish European, 0.0039%; no homozygotes.

Submissions (2):

Blueprint Genetics
Classification: Likely pathogenic for PHYH-related disorders. Last evaluated: 2024-11-27. Review status: criteria provided, single submitter. Criteria: ACMG Guidelines, 2015. Collection method: clinical testing. Allele origin: germline. Affected: yes. Observed: 2 variant alleles.

Labcorp Genetics (formerly Invitae), Labcorp
Classification: Uncertain significance. Last evaluated: 2021-08-28. Review status: criteria provided, single submitter. Criteria: Invitae Variant Classification Sherloc (09022015). Collection method: clinical testing. Allele origin: germline.
Comment: This sequence change replaces histidine with tyrosine at codon 220 of the PHYH protein (p.His220Tyr). The histidine residue is highly conserved and there is a moderate physicochemical difference between histidine and tyrosine. This variant is present in population databases (rs767216891, ExAC 0.006%). This missense change has been observed in individual(s) with clinical features of Refsum disease (PMID: 14974078). In at least one individual the data is consistent with the variant being in trans (on the opposite chromosome) from a pathogenic variant. Algorithms developed to predict the effect of missense changes on protein structure and function (SIFT, PolyPhen-2, Align-GVGD) all suggest that this variant is likely to be disruptive. In summary, the available evidence is currently insufficient to determine the role of this variant in disease. Therefore, it has been classified as a Variant of Uncertain Significance.

Literature cited by the submitters: PubMed 14974078 (cited by Labcorp Genetics (formerly Invitae), Labcorp).